The following is an entry in ClinVar:

ClinVar aggregate classification (germline): Likely pathogenic (1 of 4 stars; one submission).

Submission:

GeneDx
Classification: Likely pathogenic. Last evaluated: 2017-08-14. Review status: criteria provided, single submitter. Criteria: GeneDx Variant Classification (06012015). Collection method: clinical testing. Allele origin: germline. Affected: yes.
Comment: The R2091W variant in the DYNC1H1 gene has not been reported previously as a pathogenic variant, nor as a benign variant, to our knowledge. This variant is not observed in large population cohorts (Lek et al., 2016; 1000 Genomes Consortium et al., 2015; Exome Variant Server). The R2091W variant is a non-conservative amino acid substitution, which is likely to impact secondary protein structure as these residues differ in polarity, charge, size and/or other properties. This substitution occurs at a position that is conserved across species. In silico analysis predicts this variant is probably damaging to the protein structure/function. We interpret R2091W as a likely pathogenic variant.

NM_001376.5(DYNC1H1):c.6271C>T (p.Arg2091Trp)

Gene: DYNC1H1 (dynein cytoplasmic 1 heavy chain 1; plus strand). Cytogenetic location: 14q32.31.
Variant type: single nucleotide variant.
Coding change: c.6271C>T on transcript NM_001376.5 (MANE Select); coding-DNA position 6271, C replaced by T.
Protein change: p.Arg2091Trp; replaces arginine 2091 with tryptophan.
Molecular consequence: missense variant.
Genome position (GRCh38, 1-based): chr14:102,010,325, C>T. VCF-style: chr14-102010325-C-T. GRCh37 (hg19) VCF-style: chr14-102476662-C-T.
Other names: short protein forms R2091W.
Identifiers: ClinVar variation 451292 (VCV000451292.2), dbSNP rs866242352, ClinGen allele CA267002818.